The following is an entry in ClinVar:

ClinVar aggregate classification (germline): Likely pathogenic (1 of 4 stars; one submission).

Conditions:
2-aminoadipic 2-oxoadipic aciduria (AAKAD). Also called: ALPHA-AMINOADIPIC AND ALPHA-KETOADIPIC ACIDURIA; Aminoadipic aciduria. Identifiers: Orphanet 79154, MedGen C1859817, MONDO:0008774, OMIM 204750.

Allele frequency attached by ClinVar (database versions not stated): TOPMed 0.00001; ExAC 0.00002; gnomAD 0.00003.
gnomAD v4.1: 101 of 1,613,122 alleles (0.0063%); highest among the groups gnomAD compares: Non-Finnish European, 0.0078%; no homozygotes.

Submissions (2):

Labcorp Genetics (formerly Invitae), Labcorp
Classification: Likely pathogenic for 2-aminoadipic 2-oxoadipic aciduria. Last evaluated: 2025-09-03. Review status: criteria provided, single submitter. Criteria: Invitae Variant Classification Sherloc (09022015). Collection method: clinical testing. Allele origin: germline.
Comment: This sequence change affects an acceptor splice site in intron 6 of the DHTKD1 gene. It is expected to disrupt RNA splicing. Variants that disrupt the donor or acceptor splice site typically lead to a loss of protein function (PMID: 16199547), and loss-of-function variants in DHTKD1 are known to be pathogenic (PMID: 23141293, 25860818). This variant is present in population databases (rs760767010, gnomAD 0.003%). This variant has not been reported in the literature in individuals affected with DHTKD1-related conditions. ClinVar contains an entry for this variant (Variation ID: 2725131). Algorithms developed to predict the effect of sequence changes on RNA splicing suggest that this variant may disrupt the consensus splice site. In summary, the currently available evidence indicates that the variant is pathogenic, but additional data are needed to prove that conclusively. Therefore, this variant has been classified as Likely Pathogenic.

Dr. Peter K. Rogan Lab, Western University
No classification provided (evidence only). Condition: Thymoma. Review status: no classification provided. Collection method: in vitro. Allele origin: not applicable. Functional consequence: retained intron. Not counted in ClinVar's aggregate classification.

Literature cited by the submitters: PubMed 16199547 (cited by Labcorp Genetics (formerly Invitae), Labcorp); PubMed 23141293 (cited by Labcorp Genetics (formerly Invitae), Labcorp); PubMed 25860818 (cited by Labcorp Genetics (formerly Invitae), Labcorp).

NM_018706.7(DHTKD1):c.1160-1G>C

Gene: DHTKD1 (dehydrogenase E1 and transketolase domain containing 1; plus strand). Cytogenetic location: 10p14.
Variant type: single nucleotide variant.
Coding change: c.1160-1G>C on transcript NM_018706.7 (MANE Select); the canonical splice acceptor site of the intron before coding-DNA position 1160, G replaced by C.
Molecular consequence: splice acceptor variant.
Genome position (GRCh38, 1-based): chr10:12,094,072, G>C. VCF-style: chr10-12094072-G-C. GRCh37 (hg19) VCF-style: chr10-12136071-G-C.
Identifiers: ClinVar variation 2725131 (VCV002725131.4), dbSNP rs760767010, ClinGen allele CA5407774.